The following is an entry in ClinVar:

ClinVar aggregate classification (germline): Likely pathogenic (1 of 4 stars; one submission).

Conditions:
Developmental and epileptic encephalopathy, 2 (DEE2). Also called: CDKL5 deficiency disorder; INFANTILE SPASM SYNDROME, X-LINKED 2. Identifiers: Orphanet 1934, Orphanet 3451, Orphanet 505652, MedGen C4750718, MONDO:0010396, OMIM 300672.

Submission:

Juno Genomics, Hangzhou Juno Genomics, Inc
Classification: Likely pathogenic for Developmental and epileptic encephalopathy, 2. Review status: criteria provided, single submitter. Criteria: ACMG Guidelines, 2015. Collection method: clinical testing. Allele origin: germline. Affected: yes.
Comment: Absent from controls (or at extremely low frequency if recessive) in Genome Aggregation Database.;Multiple lines of computational evidence support a deleterious effect on the gene or gene product.;The prevalence of the variant in affected individuals is significantly increased compared to the prevalence in controls.;De novo (both maternity and paternity confirmed) in a patient with the disease and no family history.;Patient's phenotype or family history is highly specific for a disease with a single genetic etiology.

NM_001323289.2(CDKL5):c.200T>C (p.Leu67Pro)

Gene: CDKL5 (cyclin dependent kinase like 5; plus strand). Cytogenetic location: Xp22.13.
Variant type: single nucleotide variant.
Coding change: c.200T>C on transcript NM_001323289.2 (MANE Select); coding-DNA position 200, T replaced by C.
Protein change: p.Leu67Pro; replaces leucine 67 with proline.
Molecular consequence: missense variant.
Genome position (GRCh38, 1-based): chrX:18,575,408, T>C. VCF-style: chrX-18575408-T-C. GRCh37 (hg19) VCF-style: chrX-18593528-T-C.
Other names: c.200T>C, p.Leu67Pro (NM_001037343.2, NM_003159.3); short protein forms L67P.
Identifiers: ClinVar variation 5019681 (VCV005019681.1).